The following is an entry in ClinVar:

ClinVar aggregate classification (germline): Conflicting classifications of pathogenicity. Review status: criteria provided, conflicting classifications (1 of 4 stars). 6 submissions from 6 submitters: Uncertain significance (1); Benign (1); Likely benign (3). 1 of the submissions does not count toward it. Last evaluated 2026-01-19.

Conditions:
Spastic paraplegia. Identifiers: MedGen C0037772, HP:0001258.
Inborn genetic diseases. Identifiers: MedGen C0950123, MeSH D030342.
Hereditary spastic paraplegia. Also called: Familial spastic paraparesis. Identifiers: Orphanet 685, MedGen C0037773, MONDO:0019064. Disease mechanism: loss of function.
X-linked hydrocephalus syndrome (HYCX). Also called: AQUEDUCTAL STENOSIS, X-LINKED; X-Linked Hydrocephalus with Stenosis of the Aqueduct of Sylvius; X-linked hydrocephalus; X-Linked Hydrocephalus with Stenosis of the Aqueduct of Sylvius (HSAS); HYDROCEPHALUS, CONGENITAL, X-LINKED. Identifiers: Orphanet 2182, MedGen C0265216, MONDO:0010611, OMIM 307000.

Allele frequency attached by ClinVar (database versions not stated): gnomAD 0.00009; TOPMed 0.00011; ESP Exome Variant Server 0.00047.
gnomAD v4.1: 199 of 1,199,816 alleles (0.017%); highest among the groups gnomAD compares: Non-Finnish European, 0.021%; no homozygotes.

Submissions (6):

Labcorp Genetics (formerly Invitae), Labcorp
Classification: Benign for Spastic paraplegia. Last evaluated: 2026-01-19. Review status: criteria provided, single submitter. Criteria: Invitae Variant Classification Sherloc (09022015). Collection method: clinical testing. Allele origin: germline.

Blueprint Genetics
Classification: Likely benign. Last evaluated: 2024-11-01. Review status: criteria provided, single submitter. Criteria: ACMG Guidelines, 2015. Collection method: clinical testing. Allele origin: germline.

Ambry Genetics
Classification: Likely benign for Inborn genetic diseases. Last evaluated: 2023-05-25. Review status: criteria provided, single submitter. Criteria: Ambry Variant Classification Scheme 2023. Collection method: clinical testing. Allele origin: germline.

Genome Diagnostics Laboratory, The Hospital for Sick Children
Classification: Uncertain significance for Hereditary spastic paraplegia. Last evaluated: 2016-12-12. Review status: criteria provided, single submitter. Criteria: ACMG Guidelines, 2015. Collection method: clinical testing. Allele origin: germline. Affected: yes.

GeneDx
Classification: Likely benign. Last evaluated: 2016-05-02. Review status: criteria provided, single submitter. Criteria: GeneDx Variant Classification (06012015). Collection method: clinical testing. Allele origin: germline. Affected: yes.
Comment: This variant is considered likely benign or benign based on one or more of the following criteria: it is a conservative change, it occurs at a poorly conserved position in the protein, it is predicted to be benign by multiple in silico algorithms, and/or has population frequency not consistent with disease.

Genetic Services Laboratory, University of Chicago
Classification: Uncertain significance for Hydrocephalus due to aqueductal stenosis. Last evaluated: 2016-01-05. Review status: no assertion criteria provided. Collection method: clinical testing. Allele origin: germline. Affected: yes. Not counted in ClinVar's aggregate classification.
Comment: DNA sequence analysis of the L1CAM gene demonstrated a sequence change, c.2537G>T, in exon 19 that results in an amino acid change, p.Arg846Leu. This sequence change does not appear to have been previously described in patients with L1CAM-related disorders and has been described in the EXAC database with a low population frequency of 0.009% (dbSNP rs149737236). The p.Arg846Leu change affects a highly conserved amino acid residue located in a domain of the L1CAM protein that is known to be functional. The p.Arg846Leu substitution appears to be benign using several in-silico pathogenicity prediction tools (SIFT, PolyPhen2, Align GVGD, REVEL). Due to these contrasting evidences and the lack of functional studies, the clinical significance of the p.Arg846Leu change remains unknown at this time.

NM_001278116.2(L1CAM):c.2537G>T (p.Arg846Leu)

Gene: L1CAM (L1 cell adhesion molecule; minus strand). Cytogenetic location: Xq28.
Variant type: single nucleotide variant.
Coding change: c.2537G>T on transcript NM_001278116.2 (MANE Select); coding-DNA position 2537, G replaced by T.
Protein change: p.Arg846Leu; replaces arginine 846 with leucine.
Molecular consequence: missense variant.
Genome position (GRCh38, 1-based): chrX:153,865,714, C>A on the plus strand (G>T on the coding strand, the complement: L1CAM is on the minus strand). VCF-style: chrX-153865714-C-A. GRCh37 (hg19) VCF-style: chrX-153131169-C-A.
Other names: c.2537G>T, p.Arg846Leu (NM_000425.5, NM_024003.3); c.2522G>T, p.Arg841Leu (NM_001143963.2); short protein forms R846L, R841L.
Identifiers: ClinVar variation 158794 (VCV000158794.18), dbSNP rs149737236, ClinGen allele CA172446.